The following is an entry in ClinVar:

NM_000836.4(GRIN2D):c.1750G>T (p.Ala584Ser)

Gene: GRIN2D (glutamate ionotropic receptor NMDA type subunit 2D; plus strand). Cytogenetic location: 19q13.33.
Variant type: single nucleotide variant.
Coding change: c.1750G>T on transcript NM_000836.4 (MANE Select); coding-DNA position 1750, G replaced by T.
Protein change: p.Ala584Ser; replaces alanine 584 with serine.
Molecular consequence: missense variant.
Genome position (GRCh38, 1-based): chr19:48,419,248, G>T. VCF-style: chr19-48419248-G-T. GRCh37 (hg19) VCF-style: chr19-48922505-G-T.
Other names: short protein forms A584S.
Identifiers: ClinVar variation 2016861 (VCV002016861.4), dbSNP rs781357526, ClinGen allele CA406697200.

ClinVar aggregate classification (germline): Uncertain significance (1 of 4 stars; one submission).

Submission:

Labcorp Genetics (formerly Invitae), Labcorp
Classification: Uncertain significance. Last evaluated: 2022-07-14. Review status: criteria provided, single submitter. Criteria: Invitae Variant Classification Sherloc (09022015). Collection method: clinical testing. Allele origin: germline.
Comment: This sequence change replaces alanine, which is neutral and non-polar, with serine, which is neutral and polar, at codon 584 of the GRIN2D protein (p.Ala584Ser). In summary, the available evidence is currently insufficient to determine the role of this variant in disease. Therefore, it has been classified as a Variant of Uncertain Significance. Algorithms developed to predict the effect of missense changes on protein structure and function are either unavailable or do not agree on the potential impact of this missense change (SIFT: "Tolerated"; PolyPhen-2: "Probably Damaging"; Align-GVGD: "Class C0"). This variant has not been reported in the literature in individuals affected with GRIN2D-related conditions. This variant is not present in population databases (gnomAD no frequency).